The following is an entry in ClinVar:

NM_000138.5(FBN1):c.8227-247T>C

Gene: FBN1 (fibrillin 1; minus strand). Cytogenetic location: 15q21.1.
Variant type: single nucleotide variant.
Coding change: c.8227-247T>C on transcript NM_000138.5 (MANE Select); 247 bases into the intron before coding-DNA position 8227, T replaced by C.
Molecular consequence: intron variant.
Genome position (GRCh38, 1-based): chr15:48,411,626, A>G on the plus strand (T>C on the coding strand, the complement: FBN1 is on the minus strand). VCF-style: chr15-48411626-A-G. GRCh37 (hg19) VCF-style: chr15-48703823-A-G.
Identifiers: ClinVar variation 677988 (VCV000677988.1), dbSNP rs8023401, ClinGen allele CA14117711.

ClinVar aggregate classification (germline): Benign (1 of 4 stars; one submission).

Allele frequency attached by ClinVar (database versions not stated): gnomAD 0.89545 and 0.89727; TOPMed 0.90558; 1000 Genomes Project 30x 0.91724; 1000 Genomes Project 0.91953.
gnomAD v4.1: 136,592 of 152,310 alleles (90%); highest among the groups gnomAD compares: African/African-American, 94%; 61,342 homozygotes.

Submission:

GeneDx
Classification: Benign. Last evaluated: 2018-06-14. Review status: criteria provided, single submitter. Criteria: GeneDx Variant Classification (06012015). Collection method: clinical testing. Allele origin: germline. Affected: yes.
Comment: This variant is considered likely benign or benign based on one or more of the following criteria: it is a conservative change, it occurs at a poorly conserved position in the protein, it is predicted to be benign by multiple in silico algorithms, and/or has population frequency not consistent with disease.